The following is an entry in ClinVar:

ClinVar aggregate classification (germline): Uncertain significance. Review status: criteria provided, multiple submitters, no conflicts (2 of 4 stars). 3 submissions from 3 submitters: Uncertain significance (3). Last evaluated 2025-04-06.

Conditions:
Muscular dystrophy-dystroglycanopathy (congenital with brain and eye anomalies), type a, 8 (MDDGA8). Also called: WALKER-WARBURG SYNDROME OR MUSCLE-EYE-BRAIN DISEASE, GTDC2-RELATED. Identifiers: Orphanet 899, MedGen C3553813, MONDO:0013904, OMIM 614830.
Inborn genetic diseases. Identifiers: MedGen C0950123, MeSH D030342.

Allele frequency attached by ClinVar (database versions not stated): gnomAD exomes below 0.00001; gnomAD 0.00001 and 0.00004; TOPMed 0.00004.

Submissions (3):

Ambry Genetics
Classification: Uncertain significance for Inborn genetic diseases. Last evaluated: 2025-04-06. Review status: criteria provided, single submitter. Criteria: Ambry Variant Classification Scheme 2023. Collection method: clinical testing. Allele origin: germline.

Labcorp Genetics (formerly Invitae), Labcorp
Classification: Uncertain significance for Muscular dystrophy-dystroglycanopathy (congenital with brain and eye anomalies), type a, 8. Last evaluated: 2023-12-13. Review status: criteria provided, single submitter. Criteria: Invitae Variant Classification Sherloc (09022015). Collection method: clinical testing. Allele origin: germline.
Comment: This sequence change replaces leucine, which is neutral and non-polar, with arginine, which is basic and polar, at codon 299 of the POMGNT2 protein (p.Leu299Arg). This variant is not present in population databases (gnomAD no frequency). This variant has not been reported in the literature in individuals affected with POMGNT2-related conditions. ClinVar contains an entry for this variant (Variation ID: 436372). Advanced modeling of protein sequence and biophysical properties (such as structural, functional, and spatial information, amino acid conservation, physicochemical variation, residue mobility, and thermodynamic stability) performed at Invitae indicates that this missense variant is not expected to disrupt POMGNT2 protein function with a negative predictive value of 80%. In summary, the available evidence is currently insufficient to determine the role of this variant in disease. Therefore, it has been classified as a Variant of Uncertain Significance.

Genetic Services Laboratory, University of Chicago
Classification: Uncertain significance. Last evaluated: 2016-04-28. Review status: criteria provided, single submitter. Criteria: ACMG Guidelines, 2015. Collection method: clinical testing. Allele origin: germline. Affected: no.

NM_032806.6(POMGNT2):c.896T>G (p.Leu299Arg)

Gene: POMGNT2 (protein O-linked mannose N-acetylglucosaminyltransferase 2 (beta 1,4-); minus strand). Cytogenetic location: 3p22.1.
Variant type: single nucleotide variant.
Coding change: c.896T>G on transcript NM_032806.6 (MANE Select); coding-DNA position 896, T replaced by G.
Protein change: p.Leu299Arg; replaces leucine 299 with arginine.
Molecular consequence: missense variant.
Genome position (GRCh38, 1-based): chr3:43,080,536, A>C on the plus strand (T>G on the coding strand, the complement: POMGNT2 is on the minus strand). VCF-style: chr3-43080536-A-C. GRCh37 (hg19) VCF-style: chr3-43122028-A-C.
Other names: c.896T>G (NM_032806.4); short protein forms L299R.
Identifiers: ClinVar variation 436372 (VCV000436372.8), dbSNP rs942782071, ClinGen allele CA74243298.